The following is an entry in ClinVar:

ClinVar aggregate classification (germline): Uncertain significance. Review status: criteria provided, multiple submitters, no conflicts (2 of 4 stars). 4 submissions from 4 submitters: Uncertain significance (4). Last evaluated 2025-08-25.

Conditions:
Hereditary breast ovarian cancer syndrome. Also called: BRCA1- and BRCA2-Associated Hereditary Breast and Ovarian Cancer; Hereditary breast and ovarian cancer syndrome (HBOC); Hereditary breast and ovarian cancer syndrome; Breast and ovarian cancer; Hereditary breast and ovarian cancer; Hereditary breast and/or ovarian cancer syndrome. Identifiers: Orphanet 145, MedGen C0677776, MeSH D061325, MONDO:0003582. Disease mechanism: loss of function.
Familial cancer of breast. Also called: hereditary breast carcinoma; BREAST CANCER, FAMILIAL; Hereditary breast cancer. Identifiers: Orphanet 227535, MedGen C0346153, MONDO:0016419, OMIM 114480. Disease mechanism: loss of function.
Fanconi anemia, complementation group S (FANCS). Identifiers: MedGen C4554406, MONDO:0054748, OMIM 617883.
Breast-ovarian cancer, familial, susceptibility to, 1 (BROVCA1). Also called: OVARIAN CANCER, SUSCEPTIBILITY TO; BRCA1 Hereditary Breast and Ovarian Cancer. Identifiers: Orphanet 145, MedGen C2676676, MONDO:0011450, OMIM 604370. Disease mechanism: loss of function.
Pancreatic cancer, susceptibility to, 4. Identifiers: Orphanet 1333, MedGen C3280442, MONDO:0013685, OMIM 614320.
Hereditary cancer-predisposing syndrome. Also called: Hereditary Cancer Syndrome; Hereditary neoplastic syndrome; Neoplastic Syndromes, Hereditary; Tumor predisposition. Identifiers: Orphanet 140162, MedGen C0027672, MeSH D009386, MONDO:0015356.

Submissions (5):

Ambry Genetics
Classification: Uncertain significance for Hereditary cancer-predisposing syndrome. Last evaluated: 2025-08-25. Review status: criteria provided, single submitter. Criteria: Ambry Variant Classification Scheme 2023. Collection method: clinical testing. Allele origin: germline.
Comment: The p.E1781K variant (also known as c.5341G>A), located in coding exon 20 of the BRCA1 gene, results from a G to A substitution at nucleotide position 5341. The glutamic acid at codon 1781 is replaced by lysine, an amino acid with similar properties. This amino acid position is highly conserved in available vertebrate species. In addition, the in silico prediction for this alteration is inconclusive. Since supporting evidence is limited at this time, the clinical significance of this alteration remains unclear.

Baylor Genetics
Classification: Uncertain significance for Breast-ovarian cancer, familial, susceptibility to, 1. Last evaluated: 2024-03-17. Review status: criteria provided, single submitter. Criteria: ACMG Guidelines, 2015. Collection method: clinical testing. Allele origin: unknown.

Fulgent Genetics
Classification: Uncertain significance for Familial cancer of breast; Breast-ovarian cancer, familial, susceptibility to, 1; Pancreatic cancer, susceptibility to, 4; Fanconi anemia, complementation group S. Last evaluated: 2021-07-14. Review status: criteria provided, single submitter. Criteria: ACMG Guidelines, 2015. Collection method: clinical testing. Allele origin: unknown.

Labcorp Genetics (formerly Invitae), Labcorp
Classification: Uncertain significance for Hereditary breast ovarian cancer syndrome. Last evaluated: 2020-09-10. Review status: criteria provided, single submitter. Criteria: Invitae Variant Classification Sherloc (09022015). Collection method: clinical testing. Allele origin: germline.
Comment: This variant has not been reported in the literature in individuals with BRCA1-related conditions. ClinVar contains an entry for this variant (Variation ID: 825665). In summary, the available evidence is currently insufficient to determine the role of this variant in disease. Therefore, it has been classified as a Variant of Uncertain Significance. Experimental studies have shown that this variant does not substantially affect BRCA1 protein function (PMID: 30209399). This variant is not present in population databases (ExAC no frequency). This sequence change replaces glutamic acid with lysine at codon 1781 of the BRCA1 protein (p.Glu1781Lys). The glutamic acid residue is highly conserved and there is a small physicochemical difference between glutamic acid and lysine.

Brotman Baty Institute, University of Washington
No classification provided (evidence only). Condition: Breast-ovarian cancer, familial 1. Review status: no classification provided. Collection method: in vitro. Allele origin: not applicable. Functional consequence: functionally_normal. Not counted in ClinVar's aggregate classification.
ClinVar note: "not provided" was previously submitted as the classification for the variant. However, the classification appeared to be based only on an observation of functional data so it was converted to no classification on 2025-07-30.

Literature cited by the submitters: PubMed 30209399 (cited by Labcorp Genetics (formerly Invitae), Labcorp).

NM_007294.4(BRCA1):c.5341G>A (p.Glu1781Lys)

Gene: BRCA1 (BRCA1 DNA repair associated; minus strand). Cytogenetic location: 17q21.31.
Variant type: single nucleotide variant.
Coding change: c.5341G>A on transcript NM_007294.4 (MANE Select); coding-DNA position 5341, G replaced by A.
Protein change: p.Glu1781Lys; replaces glutamic acid 1781 with lysine.
Molecular consequence: missense variant. On other transcripts: non-coding transcript variant (1), intron variant (1).
Genome position (GRCh38, 1-based): chr17:43,049,186, C>T on the plus strand (G>A on the coding strand, the complement: BRCA1 is on the minus strand). VCF-style: chr17-43049186-C-T. GRCh37 (hg19) VCF-style: chr17-41201203-C-T.
Other names: c.5197G>A, p.Glu1733Lys (NM_001407742.1, NM_001407743.1, NM_001407744.1 and 18 more transcripts); c.5194G>A, p.Glu1732Lys (NM_001407847.1, NM_001407848.1, NM_001407849.1 and 12 more transcripts); c.5140G>A, p.Glu1714Lys (NM_001407862.1); c.5137G>A, p.Glu1713Lys (NM_001407863.1); c.5134G>A, p.Glu1712Lys (NM_001407874.1, NM_001407875.1); c.5128G>A, p.Glu1710Lys (NM_001407894.1, NM_001407895.1, NM_001407896.1 and 12 more transcripts); c.5008G>A, p.Glu1670Lys (NM_001407949.1, NM_001407946.1, NM_001407947.1 and 1 more transcripts); c.5005G>A, p.Glu1669Lys (NM_001407950.1, NM_001407951.1, NM_001407952.1 and 3 more transcripts); and 73 more; short protein forms E1734K, E1802K, E1781K, E677K, E1612K, E1653K, E1709K, E1754K.
Identifiers: ClinVar variation 825665 (VCV000825665.20), dbSNP rs397509268, ClinGen allele CA10590783.
Genomic context (GRCh38, chr17:43,049,186, plus strand): 5'-CAAGGGTGAATGATGAAAGCTCCTTCACCACAGAAGCACCACACAGCTGTACCATCCATT[C>T]CAGTTGATCTAAAATGGACATTTAGATGTAAAATCACTGCAGTAATCTGCATACTTAACC-3'
Protein context (NP_009225.1, residues 1771-1791): PFTNMPTDQL[Glu1781Lys]WMVQLCGASV